The following is an entry in ClinVar:

NM_000231.3(SGCG):c.347G>A (p.Arg116His)

Gene: SGCG (sarcoglycan gamma; plus strand). Cytogenetic location: 13q12.12.
Variant type: single nucleotide variant.
Coding change: c.347G>A on transcript NM_000231.3 (MANE Select); coding-DNA position 347, G replaced by A.
Protein change: p.Arg116His; replaces arginine 116 with histidine.
Molecular consequence: missense variant.
Genome position (GRCh38, 1-based): chr13:23,250,679, G>A. VCF-style: chr13-23250679-G-A. GRCh37 (hg19) VCF-style: chr13-23824818-G-A.
Other names: NM_000231.2(SGCG):c.347G>A(p.Arg116His); NM_000231.3(SGCG):c.347G>A; c.401G>A, p.Arg134His (NM_001378244.1); c.347G>A, p.Arg116His (NM_001378245.1, NM_001378246.1); short protein forms R116H, R134H.
Identifiers: ClinVar variation 92655 (VCV000092655.41), dbSNP rs17314986, ClinGen allele CA145903.

ClinVar aggregate classification (germline): Benign. Review status: reviewed by expert panel (3 of 4 stars). 16 submissions from 16 submitters: Benign (1). 15 of the submissions do not count toward it. Last evaluated 2025-06-25.

Conditions:
Sarcoglycanopathy. Identifiers: Orphanet 207052, MedGen C2936331, MONDO:0016140.
Autosomal recessive limb-girdle muscular dystrophy. Identifiers: Orphanet 102015, MedGen C2931907, MONDO:0015152.
Autosomal recessive limb-girdle muscular dystrophy type 2C (LGMDR5). Also called: MUSCULAR DYSTROPHY, LIMB-GIRDLE, AUTOSOMAL RECESSIVE 5; MUSCULAR DYSTROPHY, DUCHENNE-LIKE. Identifiers: Orphanet 353, MedGen C0410173, MONDO:0009677, OMIM 253700. Disease mechanism: Affects gamma-sarcoglycan and also disrupts the integrity of the entire sarcoglycan complex..

Allele frequency attached by ClinVar (database versions not stated): gnomAD 0.09986 and 0.09973; ESP Exome Variant Server 0.10241; ExAC 0.11036; gnomAD exomes 0.11237 and 0.12565; TOPMed 0.09306; 1000 Genomes Project 30x 0.07714; 1000 Genomes Project 0.07748.
gnomAD v4.1: 198,481 of 1,611,016 alleles (12%); highest among the groups gnomAD compares: Middle Eastern, 16%; 13,280 homozygotes.

Submissions (16):

ClinGen Limb Girdle Muscular Dystrophy Variant Curation Expert Panel, ClinGen
Classification: Benign for Autosomal recessive limb-girdle muscular dystrophy. Last evaluated: 2025-06-25. Review status: reviewed by expert panel. Criteria: ClinGen LGMD VCEP ACMG Specifications SGCG V1.0.0. Collection method: curation. Allele origin: germline. Inheritance: Autosomal recessive inheritance.
Comment: The NM_000231.3: c.347G>A variant in SGCG is a missense variant predicted to cause substitution of arginine by histidine at amino acid 116, p.(Arg116His). The filtering allele frequency for this variant is 0.1550 in gnomAD v4.1.0 exomes (the lower threshold of the 95% confidence interval of 944/5768 Middle Eastern chromosomes), which is greater than the LGMD VCEP threshold for BA1, meeting this criterion (BA1). This variant was reported in a single heterozygous state in a patient with sarcoglycanopathy who also had a compound heterozygous pair of variants in SGCA that were considered diagnostic (PMID: 18421900). The REVEL score for this variant is 0.375 and the SpliceAI score is 0.01 (BP4, PP3 not met). In summary, this variant meets the criteria to be classified as Benign for autosomal recessive limb-girdle muscular dystrophy based on the ACMG/AMP criteria applied, as specified by the ClinGen LGMD VCEP (LGMD VCEP specifications version 1.0.0; 06/25/2025): BA1.

Labcorp Genetics (formerly Invitae), Labcorp
Classification: Benign for Autosomal recessive limb-girdle muscular dystrophy type 2C. Last evaluated: 2026-02-04. Review status: criteria provided, single submitter. Criteria: Invitae Variant Classification Sherloc (09022015). Collection method: clinical testing. Allele origin: germline. Not counted in ClinVar's aggregate classification.

ARUP Laboratories, Molecular Genetics and Genomics, ARUP Laboratories
Classification: Benign for Autosomal recessive limb-girdle muscular dystrophy type 2C. Last evaluated: 2023-11-29. Review status: criteria provided, single submitter. Criteria: ARUP Molecular Germline Variant Investigation Process 2024. Collection method: clinical testing. Allele origin: germline. Not counted in ClinVar's aggregate classification.

Women's Health and Genetics/Laboratory Corporation of America, LabCorp
Classification: Likely benign. Last evaluated: 2021-12-03. Review status: criteria provided, single submitter. Criteria: LabCorp Variant Classification Summary - May 2015. Collection method: clinical testing. Allele origin: germline. Not counted in ClinVar's aggregate classification.

Pars Genome Lab
Classification: Benign for Autosomal recessive limb-girdle muscular dystrophy type 2C. Last evaluated: 2021-07-01. Review status: criteria provided, single submitter. Criteria: ACMG Guidelines, 2015. Collection method: clinical testing. Allele origin: germline. Affected: no. Not counted in ClinVar's aggregate classification.

Athena Diagnostics
Classification: Benign. Last evaluated: 2021-04-23. Review status: criteria provided, single submitter. Criteria: Athena Diagnostics criteria. Collection method: clinical testing. Allele origin: unknown. Not counted in ClinVar's aggregate classification.

SIB Swiss Institute of Bioinformatics
Classification: Benign for Autosomal recessive limb-girdle muscular dystrophy type 2C. Last evaluated: 2018-05-31. Review status: criteria provided, single submitter. Criteria: ACMG Guidelines, 2015. Collection method: curation. Allele origin: unknown. Not counted in ClinVar's aggregate classification.
Comment: This variant is interpreted as a Benign - Stand Alone, for Muscular dystrophy, limb-girdle, type 2C, in Autosomal Recessive manner. The following ACMG Tag(s) were applied: BA1 => Allele frequency is >5% in Exome Sequencing Project, 1000 Genomes Project, or Exome Aggregation Consortium.

Illumina Laboratory Services, Illumina
Classification: Benign for Sarcoglycanopathy. Last evaluated: 2018-01-13. Review status: criteria provided, single submitter. Criteria: ICSL Variant Classification Criteria 13 December 2019. Collection method: clinical testing. Allele origin: germline. Not counted in ClinVar's aggregate classification.
Comment: This variant was observed in the ICSL laboratory as part of a predisposition screen in an ostensibly healthy population. It had not been previously curated by ICSL or reported in the Human Gene Mutation Database (HGMD: prior to June 1st, 2018), and was therefore a candidate for classification through an automated scoring system. Utilizing variant allele frequency, disease prevalence and penetrance estimates, and inheritance mode, an automated score was calculated to assess if this variant is too frequent to cause the disease. Based on the score and internal cut-off values, a variant classified as benign is not then subjected to further curation. The score for this variant resulted in a classification of benign for this disease.

Mayo Clinic Laboratories, Mayo Clinic
Classification: Benign. Last evaluated: 2017-07-24. Review status: criteria provided, single submitter. Criteria: ACMG Guidelines, 2015. Collection method: clinical testing. Allele origin: germline. Observed: 172 variant alleles. Not counted in ClinVar's aggregate classification.

GeneDx
Classification: Benign. Last evaluated: 2016-01-07. Review status: criteria provided, single submitter. Criteria: GeneDx Variant Classification (06012015). Collection method: clinical testing. Allele origin: germline. Affected: yes. Not counted in ClinVar's aggregate classification.
Comment: This variant is considered likely benign or benign based on one or more of the following criteria: it is a conservative change, it occurs at a poorly conserved position in the protein, it is predicted to be benign by multiple in silico algorithms, and/or has population frequency not consistent with disease.

Eurofins Ntd Llc (ga)
Classification: Benign. Last evaluated: 2015-10-26. Review status: criteria provided, single submitter. Criteria: EGL Classification Definitions 2015. Collection method: clinical testing. Allele origin: germline. Observed: 19 variant alleles, 13 heterozygotes, 6 homozygotes. Not counted in ClinVar's aggregate classification.

Laboratory for Molecular Medicine, Mass General Brigham Personalized Medicine
Classification: Benign. Last evaluated: 2014-11-26. Review status: criteria provided, single submitter. Criteria: LMM Criteria. Collection method: clinical testing. Allele origin: germline. Observed: 3 variant alleles. Not counted in ClinVar's aggregate classification.
Comment: p.Arg116His in exon 4 of SGCG: This variant is not expected to have clinical sig nificance because it has been identified in 14% (1198/8600) of European American chromosomes by the NHLBI Exome Sequencing Project (/EVS/; dbSNP rs17314986).

Breakthrough Genomics
Classification: Likely benign. Review status: criteria provided, single submitter. Criteria: ACMG Guidelines, 2015. Collection method: not provided. Allele origin: germline. Inheritance: Autosomal recessive inheritance. Affected: yes. Not counted in ClinVar's aggregate classification.

PreventionGenetics, part of Exact Sciences
Classification: Benign. Review status: criteria provided, single submitter. Criteria: ACMG Guidelines, 2015. Collection method: clinical testing. Allele origin: germline. Not counted in ClinVar's aggregate classification.

Natera, Inc.
Classification: Benign for Limb-girdle muscular dystrophy type 2C. Last evaluated: 2020-09-16. Review status: no assertion criteria provided. Collection method: clinical testing. Allele origin: germline. Not counted in ClinVar's aggregate classification.

Genetic Services Laboratory, University of Chicago
Classification: Likely benign for AllHighlyPenetrant. Review status: no assertion criteria provided. Collection method: clinical testing. Allele origin: germline. Inheritance: Autosomal recessive inheritance. Not counted in ClinVar's aggregate classification.
Comment: Likely benign based on allele frequency in 1000 Genomes Project or ESP global frequency and its presence in a patient with a rare or unrelated disease phenotype. NOT Sanger confirmed.